The following is an entry in ClinVar:

NM_001378457.1(DMXL2):c.7138C>T (p.Arg2380Ter)

Gene: DMXL2 (Dmx like 2; minus strand). Cytogenetic location: 15q21.2.
Variant type: single nucleotide variant.
Coding change: c.7138C>T on transcript NM_001378457.1 (MANE Select); coding-DNA position 7138, C replaced by T.
Protein change: p.Arg2380Ter; replaces arginine 2380 with a stop codon.
Molecular consequence: nonsense. On other transcripts: non-coding transcript variant (2).
Genome position (GRCh38, 1-based): chr15:51,474,419, G>A on the plus strand (C>T on the coding strand, the complement: DMXL2 is on the minus strand). VCF-style: chr15-51474419-G-A. GRCh37 (hg19) VCF-style: chr15-51766616-G-A.
Other names: c.7138C>T, p.Arg2380Ter (NM_001174116.3, NM_001378459.1, NM_001378461.1 and 1 more transcripts); c.5227C>T, p.Arg1743Ter (NM_001174117.3); c.7135C>T, p.Arg2379Ter (NM_001378458.1, NM_001378462.1, NM_015263.5); c.5116C>T, p.Arg1706Ter (NM_001378460.1); c.6895C>T, p.Arg2299Ter (NM_001378464.1); short protein forms R2379*, R1706*, R2299*, R1743*, R2380*.
Identifiers: ClinVar variation 3646545 (VCV003646545.2).

ClinVar aggregate classification (germline): Pathogenic (1 of 4 stars; one submission).

gnomAD v4.1: 1 of 1,613,714 alleles (0.000062%); highest among the groups gnomAD compares: East Asian, 0.0022%; no homozygotes.

Submission:

Labcorp Genetics (formerly Invitae), Labcorp
Classification: Pathogenic. Last evaluated: 2024-05-20. Review status: criteria provided, single submitter. Criteria: Invitae Variant Classification Sherloc (09022015). Collection method: clinical testing. Allele origin: germline.
Comment: This sequence change creates a premature translational stop signal (p.Arg2380*) in the DMXL2 gene. It is expected to result in an absent or disrupted protein product. Loss-of-function variants in DMXL2 are known to be pathogenic (PMID: 30237576, 31688942). This variant is present in population databases (no rsID available, gnomAD 0.06%). This variant has not been reported in the literature in individuals affected with DMXL2-related conditions. For these reasons, this variant has been classified as Pathogenic.

Literature cited by the submitters: PubMed 30237576; PubMed 31688942.